The following is an entry in ClinVar:

NM_000744.7(CHRNA4):c.510C>T (p.Phe170=)

Gene: CHRNA4 (cholinergic receptor nicotinic alpha 4 subunit; minus strand). Cytogenetic location: 20q13.33.
Variant type: single nucleotide variant.
Coding change: c.510C>T on transcript NM_000744.7 (MANE Select); coding-DNA position 510, C replaced by T.
Protein change: p.Phe170=; no amino-acid change (phenylalanine 170 retained).
Molecular consequence: synonymous variant. On other transcripts: 5 prime UTR variant (1), non-coding transcript variant (1).
Genome position (GRCh38, 1-based): chr20:63,350,901, G>A on the plus strand (C>T on the coding strand, the complement: CHRNA4 is on the minus strand). VCF-style: chr20-63350901-G-A. GRCh37 (hg19) VCF-style: chr20-61982253-G-A.
Other names: c.-19C>T (NM_001256573.2).
Identifiers: ClinVar variation 98328 (VCV000098328.10), dbSNP rs121912247, ClinGen allele CA150436.

ClinVar aggregate classification (germline): Benign/Likely benign. Review status: criteria provided, multiple submitters, no conflicts (2 of 4 stars). 4 submissions from 4 submitters: Benign (1); Likely benign (2). 1 of the submissions does not count toward it. Last evaluated 2025-11-17.

Conditions:
Familial sleep-related hypermotor epilepsy. Also called: Autosomal Dominant Sleep-Related Hypermotor (Hyperkinetic) Epilepsy. Identifiers: Orphanet 98784, MedGen C3696898, MONDO:0000030.
Tobacco use disorder. Identifiers: MedGen C0040336.

Allele frequency attached by ClinVar (database versions not stated): ExAC 0.00001; gnomAD 0.00002; gnomAD exomes 0.00002; TOPMed 0.00003; ESP Exome Variant Server 0.00023.
gnomAD v4.1: 74 of 1,613,924 alleles (0.0046%); highest among the groups gnomAD compares: Non-Finnish European, 0.0057%; no homozygotes.

Submissions (4):

Labcorp Genetics (formerly Invitae), Labcorp
Classification: Likely benign. Last evaluated: 2025-11-17. Review status: criteria provided, single submitter. Criteria: Invitae Variant Classification Sherloc (09022015). Collection method: clinical testing. Allele origin: germline.

Blueprint Genetics
Classification: Likely benign. Last evaluated: 2022-04-13. Review status: criteria provided, single submitter. Criteria: ACMG Guidelines, 2015. Collection method: clinical testing. Allele origin: germline.

GeneDx
Classification: Benign. Last evaluated: 2015-07-14. Review status: criteria provided, single submitter. Criteria: GeneDx Variant Classification (06012015). Collection method: clinical testing. Allele origin: germline. Affected: yes.
Comment: This variant is considered likely benign or benign based on one or more of the following criteria: it is a conservative change, it occurs at a poorly conserved position in the protein, it is predicted to be benign by multiple in silico algorithms, and/or has population frequency not consistent with disease.

Psychiatry Genetics Yale University
No classification provided. Review status: no classification provided. Collection method: not provided. Allele origin: somatic. Not counted in ClinVar's aggregate classification.